The following is an entry in ClinVar:

ClinVar aggregate classification (germline): Conflicting classifications of pathogenicity. Review status: criteria provided, conflicting classifications (1 of 4 stars). 2 submissions from 2 submitters: Uncertain significance (1); Likely benign (1). Last evaluated 2026-04-21.

Conditions:
Hereditary hemorrhagic telangiectasia (HHT). Also called: ORW DISEASE; Osler Weber Rendu syndrome; OSLER-RENDU-WEBER DISEASE; Osler hemorrhagic telangiectasia syndrome. Identifiers: Orphanet 774, MedGen C0039445, MONDO:0019180. Disease mechanism: loss of function.

Allele frequency attached by ClinVar (database versions not stated): gnomAD 0.00001; gnomAD exomes 0.00001; TOPMed 0.00002.
gnomAD v4.1: 14 of 1,591,892 alleles (0.00088%); highest among the groups gnomAD compares: South Asian, 0.0034%; no homozygotes.

Submissions (2):

Women's Health and Genetics/Laboratory Corporation of America, LabCorp
Classification: Uncertain significance. Last evaluated: 2026-04-21. Review status: criteria provided, single submitter. Criteria: LabCorp Variant Classification Summary - May 2015. Collection method: clinical testing. Allele origin: germline.
Comment: Variant summary: ENG c.10G>A (p.Gly4Ser) results in a non-conservative amino acid change in the encoded protein sequence. Algorithms developed to predict the effect of missense changes on protein structure and function are either unavailable or do not agree on the potential impact of this missense change. The variant allele was found at a frequency of 4.9e-06 in 205450 control chromosomes. The available data on variant occurrences in the general population are insufficient to allow any conclusion about variant significance. To our knowledge, no occurrence of c.10G>A in individuals affected with ENG-related conditions and no experimental evidence demonstrating its impact on protein function have been reported. ClinVar contains an entry for this variant (Variation ID: 2175636). Based on the evidence outlined above, the variant was classified as uncertain significance.

Labcorp Genetics (formerly Invitae), Labcorp
Classification: Likely benign for Hereditary hemorrhagic telangiectasia. Last evaluated: 2025-10-28. Review status: criteria provided, single submitter. Criteria: Invitae Variant Classification Sherloc (09022015). Collection method: clinical testing. Allele origin: germline.

NM_001114753.3(ENG):c.10G>A (p.Gly4Ser)

Gene: ENG (endoglin; minus strand). Cytogenetic location: 9q34.11.
Variant type: single nucleotide variant.
Coding change: c.10G>A on transcript NM_001114753.3 (MANE Select); coding-DNA position 10, G replaced by A.
Protein change: p.Gly4Ser; replaces glycine 4 with serine.
Molecular consequence: missense variant.
Genome position (GRCh38, 1-based): chr9:127,854,346, C>T on the plus strand (G>A on the coding strand, the complement: ENG is on the minus strand). VCF-style: chr9-127854346-C-T. GRCh37 (hg19) VCF-style: chr9-130616625-C-T.
Other names: c.10G>A, p.Gly4Ser (NM_000118.4, NM_001406715.1); short protein forms G4S.
Identifiers: ClinVar variation 2175636 (VCV002175636.5), dbSNP rs1011684281, ClinGen allele CA200326672.
Genomic context (GRCh38, chr9:127,854,346, plus strand): 5'-TACTTGTGGGGCTGAGGCTGCAGCTGGCCAGCAGCAGGGCAACAGCCAGAGGGAGCGTGC[C>T]GCGGTCCATGCTGTCCACGTGGGGGCCTGTGCGCTGGGCCTTATCCTGTGTCCAGTGGCA-3'
Protein context (NP_001108225.1, residues 1-14): MDR[Gly4Ser]TLPLAVALLL